The following is an entry in ClinVar:

ClinVar aggregate classification (germline): Pathogenic (1 of 4 stars; one submission).

Submission:

Labcorp Genetics (formerly Invitae), Labcorp
Classification: Pathogenic. Last evaluated: 2022-03-26. Review status: criteria provided, single submitter. Criteria: Invitae Variant Classification Sherloc (09022015). Collection method: clinical testing. Allele origin: germline.
Comment: This sequence change creates a premature translational stop signal (p.Gln785*) in the NPHS1 gene. It is expected to result in an absent or disrupted protein product. Loss-of-function variants in NPHS1 are known to be pathogenic (PMID: 11317351, 11854170, 12039988). For these reasons, this variant has been classified as Pathogenic. This variant has not been reported in the literature in individuals affected with NPHS1-related conditions. This variant is not present in population databases (gnomAD no frequency).

Literature cited by the submitters: PubMed 11317351; PubMed 11854170; PubMed 12039988.

NM_004646.4(NPHS1):c.2353C>T (p.Gln785Ter)

Gene: NPHS1 (NPHS1 adhesion molecule, nephrin; minus strand). Cytogenetic location: 19q13.12.
Variant type: single nucleotide variant.
Coding change: c.2353C>T on transcript NM_004646.4 (MANE Select); coding-DNA position 2353, C replaced by T.
Protein change: p.Gln785Ter; replaces glutamine 785 with a stop codon.
Molecular consequence: nonsense.
Genome position (GRCh38, 1-based): chr19:35,842,532, G>A on the plus strand (C>T on the coding strand, the complement: NPHS1 is on the minus strand). VCF-style: chr19-35842532-G-A. GRCh37 (hg19) VCF-style: chr19-36333434-G-A.
Other names: short protein forms Q785*.
Identifiers: ClinVar variation 2117842 (VCV002117842.4), dbSNP rs781299519, ClinGen allele CA405393945.
Genomic context (GRCh38, chr19:35,842,532, plus strand): 5'-GGTGAATCCGCAGGCGCCCCGTTGGTCCCCTGGATATCTTCTCCATGTCATCCAGGCTCT[G>A]GTCCTCCTCATCTTCTCCCTGGAGGCCCAAGAGTCCAGAATTGGCCTCCCAGTCTAGCCC-3'